The following is an entry in ClinVar:

NM_014319.5(LEMD3):c.1963C>T (p.Arg655Ter)

Gene: LEMD3 (LEM domain containing 3; plus strand). Cytogenetic location: 12q14.3.
Variant type: single nucleotide variant.
Coding change: c.1963C>T on transcript NM_014319.5 (MANE Select); coding-DNA position 1963, C replaced by T.
Protein change: p.Arg655Ter; replaces arginine 655 with a stop codon.
Molecular consequence: nonsense.
Genome position (GRCh38, 1-based): chr12:65,239,970, C>T. VCF-style: chr12-65239970-C-T. GRCh37 (hg19) VCF-style: chr12-65633750-C-T.
Other names: c.1960C>T, p.Arg654Ter (NM_001167614.2); short protein forms R655*, R654*.
Identifiers: ClinVar variation 2759 (VCV000002759.8), dbSNP rs267607217, ClinGen allele CA115738.

ClinVar aggregate classification (germline): Pathogenic/Likely pathogenic. Review status: criteria provided, multiple submitters, no conflicts (2 of 4 stars). 4 submissions from 3 submitters: Pathogenic (1); Likely pathogenic (1). 2 of the submissions do not count toward it. Last evaluated 2024-01-23.

Conditions:
LEMD3-related disorder. Also called: LEMD3-related condition.
Melorheostosis with osteopoikilosis. Identifiers: MedGen C3149695, MONDO:0015995, Orphanet 1879.
Dermatofibrosis lenticularis disseminata, isolated. Identifiers: MedGen C3149399.

Allele frequency attached by ClinVar (database versions not stated): gnomAD exomes below 0.00001; TOPMed below 0.00001.
gnomAD v4.1: 4 of 1,611,732 alleles (0.00025%); highest among the groups gnomAD compares: Non-Finnish European, 0.00034%; no homozygotes.

Submissions (4):

Labcorp Genetics (formerly Invitae), Labcorp
Classification: Pathogenic. Last evaluated: 2024-01-23. Review status: criteria provided, single submitter. Criteria: Invitae Variant Classification Sherloc (09022015). Collection method: clinical testing. Allele origin: germline.
Comment: This sequence change creates a premature translational stop signal (p.Arg655*) in the LEMD3 gene. It is expected to result in an absent or disrupted protein product. Loss-of-function variants in LEMD3 are known to be pathogenic (PMID: 15489854, 19438932). This variant is not present in population databases (gnomAD no frequency). This premature translational stop signal has been observed in individual(s) with clinical features of LEMD3-related conditions (PMID: 16470551). ClinVar contains an entry for this variant (Variation ID: 2759). Algorithms developed to predict the effect of sequence changes on RNA splicing suggest that this variant may disrupt the consensus splice site. For these reasons, this variant has been classified as Pathogenic.

Blueprint Genetics
Classification: Likely pathogenic for LEMD3-related disorders. Last evaluated: 2018-01-24. Review status: criteria provided, single submitter. Criteria: ACMG Guidelines, 2015. Collection method: clinical testing. Allele origin: germline. Affected: yes. Observed: 1 variant allele.

OMIM
Classification: Pathogenic for OSTEOPOIKILOSIS WITH MELORHEOSTOSIS. Last evaluated: 2009-06-01. Review status: no assertion criteria provided. Collection method: literature only. Allele origin: germline. Not counted in ClinVar's aggregate classification.

OMIM
Classification: Pathogenic for DERMATOFIBROSIS LENTICULARIS DISSEMINATA, ISOLATED. Last evaluated: 2009-06-01. Review status: no assertion criteria provided. Collection method: literature only. Allele origin: germline. Not counted in ClinVar's aggregate classification.

Literature cited by the submitters: PubMed 15489854 (cited by Labcorp Genetics (formerly Invitae), Labcorp); PubMed 19438932 (cited by Labcorp Genetics (formerly Invitae), Labcorp and OMIM); PubMed 16470551 (cited by Labcorp Genetics (formerly Invitae), Labcorp); PubMed 9295073 (cited by OMIM); PubMed 17087626 (cited by OMIM).